The following is an entry in ClinVar:

NM_139318.5(KCNH5):c.106G>C (p.Val36Leu)

Gene: KCNH5 (potassium voltage-gated channel subfamily H member 5; minus strand). Cytogenetic location: 14q23.2.
Variant type: single nucleotide variant.
Coding change: c.106G>C on transcript NM_139318.5 (MANE Select); coding-DNA position 106, G replaced by C.
Protein change: p.Val36Leu; replaces valine 36 with leucine.
Molecular consequence: missense variant.
Genome position (GRCh38, 1-based): chr14:63,016,922, C>G on the plus strand (G>C on the coding strand, the complement: KCNH5 is on the minus strand). VCF-style: chr14-63016922-C-G. GRCh37 (hg19) VCF-style: chr14-63483640-C-G.
Other names: c.106G>C, p.Val36Leu (NM_172375.3); short protein forms V36L.
Identifiers: ClinVar variation 1412856 (VCV001412856.9), dbSNP rs138796167, ClinGen allele CA7217764.
Genomic context (GRCh38, chr14:63,016,922, plus strand): 5'-CTCGATGATATCCAGAGAGTTTACAAAAACCGTCATTACTATAAACTACAGGCCAATCCA[C>G]AATCTGGGCATTTCCCAGTAAGAAACTTGATTCTGAAGAAGAAAGGAGAAAAAAGGAGGT-3'
Protein context (NP_647479.2, residues 26-46): SSFLLGNAQI[Val36Leu]DWPVVYSNDG

ClinVar aggregate classification (germline): Uncertain significance (1 of 4 stars; one submission).

Conditions:
Early-infantile DEE. Also called: Early infantile epileptic encephalopathy; Ohtahara syndrome; Early infantile epileptic encephalopathy with suppression bursts. Identifiers: Orphanet 1934, MedGen C0393706, MONDO:0800491.

Allele frequency attached by ClinVar (database versions not stated): gnomAD exomes below 0.00001; ExAC 0.00001; ESP Exome Variant Server 0.00008.
gnomAD v4.1: 2 of 1,606,336 alleles (0.00012%); highest among the groups gnomAD compares: African/African-American, 0.0027%; no homozygotes.

Submission:

Labcorp Genetics (formerly Invitae), Labcorp
Classification: Uncertain significance for Early-infantile DEE. Last evaluated: 2022-09-07. Review status: criteria provided, single submitter. Criteria: Invitae Variant Classification Sherloc (09022015). Collection method: clinical testing. Allele origin: germline.
Comment: In summary, the available evidence is currently insufficient to determine the role of this variant in disease. Therefore, it has been classified as a Variant of Uncertain Significance. Advanced modeling of protein sequence and biophysical properties (such as structural, functional, and spatial information, amino acid conservation, physicochemical variation, residue mobility, and thermodynamic stability) performed at Invitae indicates that this missense variant is not expected to disrupt KCNH5 protein function. ClinVar contains an entry for this variant (Variation ID: 1412856). This variant has not been reported in the literature in individuals affected with KCNH5-related conditions. This variant is present in population databases (rs138796167, gnomAD 0.007%). This sequence change replaces valine, which is neutral and non-polar, with leucine, which is neutral and non-polar, at codon 36 of the KCNH5 protein (p.Val36Leu).